The following is an entry in ClinVar:

ClinVar aggregate classification (germline): Uncertain significance (1 of 4 stars; one submission).

Conditions:
Inborn genetic diseases. Identifiers: MedGen C0950123, MeSH D030342.

Submission:

Ambry Genetics
Classification: Uncertain significance for Inborn genetic diseases. Last evaluated: 2025-02-04. Review status: criteria provided, single submitter. Criteria: Ambry Variant Classification Scheme 2023. Collection method: clinical testing. Allele origin: germline.
Comment: The p.D1419G variant (also known as c.4256A>G), located in coding exon 15 of the FANCM gene, results from an A to G substitution at nucleotide position 4256. The aspartic acid at codon 1419 is replaced by glycine, an amino acid with similar properties. This amino acid position is conserved. In addition, this alteration is predicted to be tolerated by in silico analysis. Based on the available evidence, the clinical significance of this variant remains unclear.

NM_020937.4(FANCM):c.4256A>G (p.Asp1419Gly)

Gene: FANCM (FA complementation group M; plus strand). Cytogenetic location: 14q21.2.
Variant type: single nucleotide variant.
Coding change: c.4256A>G on transcript NM_020937.4 (MANE Select); coding-DNA position 4256, A replaced by G.
Protein change: p.Asp1419Gly; replaces aspartic acid 1419 with glycine.
Molecular consequence: missense variant.
Genome position (GRCh38, 1-based): chr14:45,181,463, A>G. VCF-style: chr14-45181463-A-G. GRCh37 (hg19) VCF-style: chr14-45650666-A-G.
Other names: c.4178A>G, p.Asp1393Gly (NM_001308133.2); short protein forms D1393G, D1419G.
Identifiers: ClinVar variation 3848699 (VCV003848699.1).
Genomic context (GRCh38, chr14:45,181,463, plus strand): 5'-TTCATTATTTTAAAAAATAAATTATAGATGGACAATTATTAACAAGTAACGAAAGTGAAG[A>G]TGACGAGATTTTCCGAAGAAAAGTTAAAAGAGCAAAAGGAAATGTTTTAAACTCTCCTGA-3'
Protein context (NP_065988.1, residues 1409-1429): GQLLTSNESE[Asp1419Gly]DEIFRRKVKR